The following is an entry in ClinVar:

ClinVar aggregate classification (germline): Uncertain significance (1 of 4 stars; one submission).

Submission:

Labcorp Genetics (formerly Invitae), Labcorp
Classification: Uncertain significance. Last evaluated: 2023-07-10. Review status: criteria provided, single submitter. Criteria: Invitae Variant Classification Sherloc (09022015). Collection method: clinical testing. Allele origin: germline.
Comment: ClinVar contains an entry for this variant (Variation ID: 2032254). In summary, the available evidence is currently insufficient to determine the role of this variant in disease. Therefore, it has been classified as a Variant of Uncertain Significance. Algorithms developed to predict the effect of sequence changes on RNA splicing suggest that this variant may create or strengthen a splice site. This variant has not been reported in the literature in individuals affected with DCHS1-related conditions. This variant is not present in population databases (gnomAD no frequency). This sequence change affects codon 1019 of the DCHS1 mRNA. It is a 'silent' change, meaning that it does not change the encoded amino acid sequence of the DCHS1 protein.

NM_003737.4(DCHS1):c.3057C>A (p.Val1019=)

Gene: DCHS1 (dachsous cadherin-related 1; minus strand). Cytogenetic location: 11p15.4.
Variant type: single nucleotide variant.
Coding change: c.3057C>A on transcript NM_003737.4 (MANE Select); coding-DNA position 3057, C replaced by A.
Protein change: p.Val1019=; no amino-acid change (valine 1019 retained).
Molecular consequence: synonymous variant.
Genome position (GRCh38, 1-based): chr11:6,632,455, G>T on the plus strand (C>A on the coding strand, the complement: DCHS1 is on the minus strand). VCF-style: chr11-6632455-G-T. GRCh37 (hg19) VCF-style: chr11-6653686-G-T.
Identifiers: ClinVar variation 2032254 (VCV002032254.4), dbSNP rs1855925752, ClinGen allele CA473241463.
Genomic context (GRCh38, chr11:6,632,455, plus strand): 5'-CTCTGCTGCAAGGTGATAGGTGATAGGGCCCCCATCTGGTGCTTGGGCCTGCACTTGCAG[G>T]ACCTGAGTTCCAGCAGTGGTGCCTGAGGGCAGGTCCACACGGTAGGTAGGGCTGTTGAAT-3'
Protein context (NP_003728.1, residues 1009-1029): LPSGTTAGTQ[Val1019=]LQVQAQAPDG